The following is an entry in ClinVar:

ClinVar aggregate classification (germline): Likely pathogenic. Review status: criteria provided, single submitter (1 of 4 stars). 5 submissions from 3 submitters: Likely pathogenic (1). 4 of the submissions do not count toward it. Last evaluated 2024-05-31.

Conditions:
Jeune thoracic dystrophy. Also called: Jeune syndrome; Infantile thoracic dystrophy; Thoracic pelvic phalangeal dystrophy; Jeune's syndrome; Chondroectodermal dysplasia-like syndrome; Short-rib thoracic dysplasia. Identifiers: Orphanet 474, MedGen C0265275, MONDO:0018770.
Asphyxiating thoracic dystrophy 3. Also called: POLYDACTYLY WITH NEONATAL CHONDRODYSTROPHY, TYPE I; Saldino-Noonan Syndrome; Short rib polydactyly syndrome 2B; SHORT-RIB THORACIC DYSPLASIA 3/6 WITH POLYDACTYLY, DIGENIC; SHORT-RIB THORACIC DYSPLASIA 3 WITH OR WITHOUT POLYDACTYLY. Identifiers: Orphanet 474, Orphanet 93269, Orphanet 93270, Orphanet 93271, MedGen C0036069, MONDO:0013127, OMIM 613091.

Allele frequency attached by ClinVar (database versions not stated): gnomAD exomes 0.00001 and 0.00006; ExAC 0.00003; TOPMed 0.00003; gnomAD 0.00005.
gnomAD v4.1: 99 of 1,570,464 alleles (0.0063%); highest among the groups gnomAD compares: Non-Finnish European, 0.0079%; no homozygotes.

Submissions (5):

Women's Health and Genetics/Laboratory Corporation of America, LabCorp
Classification: Likely pathogenic for Asphyxiating thoracic dystrophy 3. Last evaluated: 2024-05-31. Review status: criteria provided, single submitter. Criteria: LabCorp Variant Classification Summary - May 2015. Collection method: clinical testing. Allele origin: germline.
Comment: Variant summary: DYNC2H1 c.625T>A (p.Phe209Ile) results in a non-conservative amino acid change located in the dynein heavy chain, tail domain (IPR013594) of the encoded protein sequence. Three of five in-silico tools predict a damaging effect of the variant on protein function. The variant allele was found at a frequency of 1.3e-05 in 223852 control chromosomes (gnomAD). c.625T>A has been reported in the literature in individuals affected with clinical features of short-rib thoracic dysplasia (Zhang_2018). These data indicate that the variant is likely to be associated with disease. To our knowledge, no experimental evidence demonstrating an impact on protein function has been reported. The following publications have been ascertained in the context of this evaluation (PMID: 19361615, 29068549). ClinVar contains an entry for this variant (Variation ID: 446586). Based on the evidence outlined above, the variant was classified as likely pathogenic.

Dan Cohn Lab, University Of California Los Angeles
Classification: Pathogenic for Asphyxiating thoracic dystrophy. Last evaluated: 2017-06-01. Review status: no assertion criteria provided. Collection method: research. Allele origin: maternal. Affected: yes. Not counted in ClinVar's aggregate classification.

Dan Cohn Lab, University Of California Los Angeles
Classification: Pathogenic for Asphyxiating thoracic dystrophy 3. Last evaluated: 2017-06-01. Review status: no assertion criteria provided. Collection method: research. Allele origin: paternal, unknown, maternal. Affected: yes. Not counted in ClinVar's aggregate classification.

University of Washington Center for Mendelian Genomics, University of Washington
Classification: Likely pathogenic for Asphyxiating thoracic dystrophy 3. Review status: no assertion criteria provided. Collection method: research. Allele origin: inherited. Affected: yes. Not counted in ClinVar's aggregate classification.

University of Washington Center for Mendelian Genomics, University of Washington
Classification: Likely pathogenic for asphyxiating thoracic dystrophy. Review status: no assertion criteria provided. Collection method: research. Allele origin: inherited. Affected: yes. Not counted in ClinVar's aggregate classification.

Literature cited by the submitters: PubMed 29068549 (cited by 3 submitters); PubMed 19361615 (cited by Women's Health and Genetics/Laboratory Corporation of America, LabCorp).

NM_001377.3(DYNC2H1):c.625T>A (p.Phe209Ile)

Gene: DYNC2H1 (dynein cytoplasmic 2 heavy chain 1; plus strand). Cytogenetic location: 11q22.3.
Variant type: single nucleotide variant.
Coding change: c.625T>A on transcript NM_001377.3 (MANE Select); coding-DNA position 625, T replaced by A.
Protein change: p.Phe209Ile; replaces phenylalanine 209 with isoleucine.
Molecular consequence: missense variant.
Genome position (GRCh38, 1-based): chr11:103,116,573, T>A. VCF-style: chr11-103116573-T-A. GRCh37 (hg19) VCF-style: chr11-102987302-T-A.
Other names: c.625T>A, p.Phe209Ile (NM_001080463.2); short protein forms F209I.
Identifiers: ClinVar variation 446586 (VCV000446586.4), dbSNP rs771511132, ClinGen allele CA6252556.
Genomic context (GRCh38, chr11:103,116,573, plus strand): 5'-TATATTACCCAAGGTACAAATATAATTATGTTTAAAAATTAATGCATTTTTTTCTAGGAG[T>A]TTTATAACTTGGACAGTCTATCCTTACTAGAAGTTGTTGACTTGGTGGAGACTACTCAGG-3'
Protein context (NP_001368.2, residues 199-219): KELFETIARE[Phe209Ile]YNLDSLSLLE